The following is an entry in ClinVar:

NM_000071.3(CBS):c.317-225C>T

Gene: CBS (cystathionine beta-synthase; minus strand). Cytogenetic location: 21q22.3.
Variant type: single nucleotide variant.
Coding change: c.317-225C>T on transcript NM_000071.3 (MANE Select); 225 bases into the intron before coding-DNA position 317, C replaced by T.
Molecular consequence: intron variant.
Genome position (GRCh38, 1-based): chr21:43,066,602, G>A on the plus strand (C>T on the coding strand, the complement: CBS is on the minus strand). VCF-style: chr21-43066602-G-A. GRCh37 (hg19) VCF-style: chr21-44486712-G-A.
Other names: c.317-225C>T (NM_001320298.2, NM_001178009.3, NM_001178008.3); c.2-225C>T (NM_001321072.1).
Identifiers: ClinVar variation 1189463 (VCV001189463.4), dbSNP rs142215670, ClinGen allele CA321098147.

ClinVar aggregate classification (germline): Likely benign. Review status: criteria provided, multiple submitters, no conflicts (2 of 4 stars). 3 submissions from 3 submitters: Likely benign (3). Last evaluated 2025-04-09.

Allele frequency attached by ClinVar (database versions not stated): gnomAD 0.00045; 1000 Genomes Project 0.00499; 1000 Genomes Project 30x 0.00531.
gnomAD v4.1: 27 of 59,350 alleles (0.045%); highest among the groups gnomAD compares: African/African-American, 0.34%; 1 homozygote.

Submissions (3):

Molecular Diagnostic Laboratory for Inherited Cardiovascular Disease, Montreal Heart Institute
Classification: Likely benign. Last evaluated: 2025-04-09. Review status: criteria provided, single submitter. Criteria: ACMG Guidelines, 2015. Collection method: clinical testing. Allele origin: germline. Affected: no.
Comment: BP6

GeneDx
Classification: Likely benign. Last evaluated: 2018-08-08. Review status: criteria provided, single submitter. Criteria: GeneDx Variant Classification Process June 2021. Collection method: clinical testing. Allele origin: germline. Affected: yes.

Breakthrough Genomics
Classification: Likely benign. Review status: criteria provided, single submitter. Criteria: ACMG Guidelines, 2015. Collection method: not provided. Allele origin: germline. Inheritance: Autosomal recessive inheritance. Affected: yes.